The following is an entry in ClinVar:

ClinVar aggregate classification (germline): Uncertain significance. Review status: criteria provided, multiple submitters, no conflicts (2 of 4 stars). 2 submissions from 2 submitters: Uncertain significance (2). Last evaluated 2025-04-03.

Allele frequency attached by ClinVar (database versions not stated): ExAC 0.00002; gnomAD exomes 0.00002; gnomAD 0.00003 and 0.00004; TOPMed 0.00005.
gnomAD v4.1: 34 of 1,613,198 alleles (0.0021%); highest among the groups gnomAD compares: Non-Finnish European, 0.0026%; no homozygotes.

Submissions (2):

Ambry Genetics
Classification: Uncertain significance. Last evaluated: 2025-04-03. Review status: criteria provided, single submitter. Criteria: Ambry Variant Classification Scheme 2023. Collection method: clinical testing. Allele origin: germline.

Labcorp Genetics (formerly Invitae), Labcorp
Classification: Uncertain significance. Last evaluated: 2024-12-04. Review status: criteria provided, single submitter. Criteria: Invitae Variant Classification Sherloc (09022015). Collection method: clinical testing. Allele origin: germline.
Comment: This sequence change replaces asparagine, which is neutral and polar, with aspartic acid, which is acidic and polar, at codon 3345 of the HMCN1 protein (p.Asn3345Asp). This variant is present in population databases (rs201026760, gnomAD 0.005%). This variant has not been reported in the literature in individuals affected with HMCN1-related conditions. ClinVar contains an entry for this variant (Variation ID: 1394002). An algorithm developed to predict the effect of missense changes on protein structure and function (PolyPhen-2) suggests that this variant is likely to be disruptive. In summary, the available evidence is currently insufficient to determine the role of this variant in disease. Therefore, it has been classified as a Variant of Uncertain Significance.

NM_031935.3(HMCN1):c.10033A>G (p.Asn3345Asp)

Gene: HMCN1 (hemicentin 1; plus strand). Cytogenetic location: 1q31.1.
Variant type: single nucleotide variant.
Coding change: c.10033A>G on transcript NM_031935.3 (MANE Select); coding-DNA position 10033, A replaced by G.
Protein change: p.Asn3345Asp; replaces asparagine 3345 with aspartic acid.
Molecular consequence: missense variant.
Genome position (GRCh38, 1-based): chr1:186,093,506, A>G. VCF-style: chr1-186093506-A-G. GRCh37 (hg19) VCF-style: chr1-186062638-A-G.
Other names: c.10033A>G (NM_031935.2); short protein forms N3345D.
Identifiers: ClinVar variation 1394002 (VCV001394002.7), dbSNP rs201026760, ClinGen allele CA1293632.